The following is an entry in ClinVar:

ClinVar aggregate classification (germline): Pathogenic. Review status: criteria provided, multiple submitters, no conflicts (2 of 4 stars). 4 submissions from 4 submitters: Pathogenic (3). 1 of the submissions does not count toward it. Last evaluated 2021-08-04.

Conditions:
Neurodevelopmental abnormality. Identifiers: MedGen C4022737, HP:0012759.
AHDC1-related intellectual disability - obstructive sleep apnea - mild dysmorphism syndrome. Also called: Xia-Gibbs syndrome. Identifiers: Orphanet 412069, MedGen C4014419, MONDO:0014358, OMIM 615829.

Submissions (4):

Labcorp Genetics (formerly Invitae), Labcorp
Classification: Pathogenic. Last evaluated: 2021-08-04. Review status: criteria provided, single submitter. Criteria: Invitae Variant Classification Sherloc (09022015). Collection method: clinical testing. Allele origin: germline.

GeneDx
Classification: Pathogenic. Last evaluated: 2019-07-30. Review status: criteria provided, single submitter. Criteria: GeneDx Variant Classification Process June 2021. Collection method: clinical testing. Allele origin: germline. Affected: yes.
Comment: Frameshift variant in the C-terminus predicted to result in protein truncation, as the last 1017 amino acids are lost and replaced with 55 incorrect amino acids; Not observed in large population cohorts (Lek et al., 2016); This variant is associated with the following publications: (PMID: 25363768, 28191890)

Genomic Medicine Lab, University of California San Francisco
Classification: Pathogenic for AHDC1-related intellectual disability - obstructive sleep apnea - mild dysmorphism syndrome. Last evaluated: 2019-03-14. Review status: criteria provided, single submitter. Criteria: ACMG Guidelines, 2015. Collection method: clinical testing. Allele origin: de novo. Inheritance: Autosomal dominant inheritance. Affected: yes. Study: CSER.

Department of Genetics, Rouen University Hospital, Normandy Center for Genomic and Personalized Medicine
Classification: Pathogenic for Neurodevelopmental abnormality. Last evaluated: 2020-06-04. Review status: no assertion criteria provided. Collection method: clinical testing. Allele origin: de novo. Affected: yes. Not counted in ClinVar's aggregate classification.

NM_001371928.1(AHDC1):c.1758dup (p.Arg587fs)

Gene: AHDC1 (AT-hook DNA binding motif containing 1; minus strand). Cytogenetic location: 1p36.11.
Variant type: Duplication.
Coding change: c.1758dup on transcript NM_001371928.1 (MANE Select); coding-DNA position 1758, one base duplicated (A; older notation c.1758dupA).
Protein change: p.Arg587fs; shifts the reading frame from arginine 587.
Molecular consequence: frameshift variant.
Genome position (GRCh38, 1-based): chr1:27,550,358, T duplicated on the plus strand (A on the coding strand, the reverse complement: AHDC1 is on the minus strand); the first of 7 consecutive T bases (chr1:27,550,358-27,550,364); duplicating any one gives the same sequence. VCF-style (leftmost placement, unchanged base first): chr1-27550357-G-GT. GRCh37 (hg19) VCF-style: chr1-27876868-G-GT.
Other names: c.1758dupA (NM_001029882.3); c.1758dup, p.Arg587fs (NM_001029882.3); short protein forms R587fs.
Identifiers: ClinVar variation 816930 (VCV000816930.9), dbSNP rs1064797043, ClinGen allele CA915941190.
Genomic context (GRCh38, chr1:27,550,357, plus strand): 5'-CGTTGGCGTCTGCTGCATAGGATGGCTGGGGAGATGCCAGCTTCTGCTTCCGCCGCCGTC[G>GT]TTTTTTTACCTCTGGCATGGCCATGGTGGCCGCTGCCACAGTGGCTGCCTCGGCCGCCAC-3'